The following is an entry in ClinVar:

NM_006859.4(LIAS):c.-45T>C

Genes: LIAS (lipoic acid synthetase; plus strand), LOC112939935 (Sharpr-MPRA regulatory region 11886; plus strand). Cytogenetic location: 4p14.
Variant type: single nucleotide variant.
Coding change: c.-45T>C on transcript NM_006859.4 (MANE Select); 45 bases upstream of the start codon, T replaced by C.
Molecular consequence: 5 prime UTR variant.
Genome position (GRCh38, 1-based): chr4:39,459,073, T>C. VCF-style: chr4-39459073-T-C. GRCh37 (hg19) VCF-style: chr4-39460693-T-C.
Other names: c.-45T>C (NM_001278590.2, NM_001278591.2, NM_001278592.2 and 2 more transcripts).
Identifiers: ClinVar variation 379118 (VCV000379118.1), dbSNP rs748919573, ClinGen allele CA2894508.

ClinVar aggregate classification (germline): Likely benign (1 of 4 stars; one submission).

Allele frequency attached by ClinVar (database versions not stated): gnomAD exomes 0.00001 and 0.00002; TOPMed 0.00001; ExAC 0.00002.
gnomAD v4.1: 7 of 1,610,182 alleles (0.00043%); highest among the groups gnomAD compares: Admixed American, 0.012%; no homozygotes.

Submission:

GeneDx
Classification: Likely benign. Last evaluated: 2016-02-03. Review status: criteria provided, single submitter. Criteria: GeneDx Variant Classification (06012015). Collection method: clinical testing. Allele origin: germline. Affected: yes.
Comment: This variant is considered likely benign or benign based on one or more of the following criteria: it is a conservative change, it occurs at a poorly conserved position in the protein, it is predicted to be benign by multiple in silico algorithms, and/or has population frequency not consistent with disease.